The following is an entry in ClinVar:

NM_016616.5(NME8):c.177_178delinsTA (p.Glu60Lys)

Gene: NME8 (NME/NM23 family member 8; plus strand). Cytogenetic location: 7p14.1.
Variant type: Indel.
Coding change: c.177_178delinsTA on transcript NM_016616.5 (MANE Select); coding-DNA positions 177 to 178, CG replaced by TA.
Protein change: p.Glu60Lys; replaces glutamic acid 60 with lysine.
Molecular consequence: missense variant.
Genome position (GRCh38, 1-based): chr7:37,850,714-37,850,715, CG replaced by TA. VCF-style: chr7-37850714-CG-TA. GRCh37 (hg19) VCF-style: chr7-37890316-CG-TA.
Other names: short protein forms E60K.
Identifiers: ClinVar variation 836865 (VCV000836865.1), dbSNP rs1784427170, ClinGen allele CA916082921.

ClinVar aggregate classification (germline): Uncertain significance (1 of 4 stars; one submission).

Conditions:
Primary ciliary dyskinesia 6. Also called: Primary Ciliary Dyskinesia 6: TXNDC3-Related Primary Ciliary Dyskinesia. Identifiers: Orphanet 244, MedGen C1970506, MONDO:0012571, OMIM 610852.

Submission:

Labcorp Genetics (formerly Invitae), Labcorp
Classification: Uncertain significance for Ciliary dyskinesia, primary, 6. Last evaluated: 2019-03-01. Review status: criteria provided, single submitter. Criteria: Invitae Variant Classification Sherloc (09022015). Collection method: clinical testing. Allele origin: germline.
Comment: This sequence change replaces glutamic acid with lysine at codon 60 of the NME8 protein (p.Glu60Lys). The glutamic acid residue is moderately conserved and there is a small physicochemical difference between glutamic acid and lysine. This variant is reported as two separate entries in the ExAC population database (c.177C>T, 37.30% and c.178G>A, 0.006%). This variant has not been reported in the literature in individuals with NME8-related conditions. Algorithms developed to predict the effect of missense changes on protein structure and function are either unavailable or do not agree on the potential impact of this missense change (SIFT: "Deleterious"; PolyPhen-2: "Possibly damaging"; Align-GVGD: "Class C0"). In summary, the available evidence is currently insufficient to determine the role of this variant in disease. Therefore, it has been classified as a Variant of Uncertain Significance.